The following is an entry in ClinVar:

NM_004408.4(DNM1):c.1557+439G>A

Gene: DNM1 (dynamin 1; plus strand). Cytogenetic location: 9q34.11.
Variant type: single nucleotide variant.
Coding change: c.1557+439G>A on transcript NM_004408.4 (MANE Select); 439 bases into the intron after coding-DNA position 1557, G replaced by A.
Molecular consequence: intron variant.
Genome position (GRCh38, 1-based): chr9:128,240,435, G>A. VCF-style: chr9-128240435-G-A. GRCh37 (hg19) VCF-style: chr9-131002714-G-A.
Other names: c.1557+439G>A (NM_001005336.3, NM_001374269.1, NM_001288738.2 and 2 more transcripts).
Identifiers: ClinVar variation 2659526 (VCV002659526.24), dbSNP rs80050751, ClinGen allele CA200360742.
Genomic context (GRCh38, chr9:128,240,435, plus strand): 5'-AAGAGAAGTCAAGAAGTCACTGCTCACCTGGCCTCCTGCTCTCTGTCCTTAGATGTCTGC[G>A]GAAACATCCCTCGTCAGAAGCGCTTGCTCAGTTGTACACATGAGCCCGAGGGTCCTCAGC-3'

ClinVar aggregate classification (germline): Benign (1 of 4 stars; one submission).

Allele frequency attached by ClinVar (database versions not stated): gnomAD exomes 0.00025; gnomAD 0.00414; TOPMed 0.00463; 1000 Genomes Project 0.00559; 1000 Genomes Project 30x 0.00671.
gnomAD v4.1: 635 of 182,370 alleles (0.35%); highest among the groups gnomAD compares: African/African-American, 1.4%; 2 homozygotes.

Submission:

CeGaT Center for Human Genetics Tuebingen
Classification: Benign. Last evaluated: 2022-03-01. Review status: criteria provided, single submitter. Criteria: CeGaT Center For Human Genetics Tuebingen Variant Classification Criteria Version 2. Collection method: clinical testing. Allele origin: germline. Affected: yes. Observed: 1 variant allele.
Comment: DNM1: BS1, BS2